The following is an entry in ClinVar:

NM_003900.5(SQSTM1):c.580G>A (p.Gly194Arg)

Gene: SQSTM1 (sequestosome 1; plus strand). Cytogenetic location: 5q35.3.
Variant type: single nucleotide variant.
Coding change: c.580G>A on transcript NM_003900.5 (MANE Select); coding-DNA position 580, G replaced by A.
Protein change: p.Gly194Arg; replaces glycine 194 with arginine.
Molecular consequence: missense variant.
Genome position (GRCh38, 1-based): chr5:179,824,230, G>A. VCF-style: chr5-179824230-G-A. GRCh37 (hg19) VCF-style: chr5-179251230-G-A.
Other names: c.328G>A, p.Gly110Arg (NM_001142298.2, NM_001142299.2); short protein forms G110R, G194R.
Identifiers: ClinVar variation 2200083 (VCV002200083.4), dbSNP rs373585056, ClinGen allele CA3600574.

ClinVar aggregate classification (germline): Uncertain significance (1 of 4 stars; one submission).

Conditions:
Frontotemporal dementia and/or amyotrophic lateral sclerosis 1 (FTDALS1). Also called: Frontotemporal dementia with motor neuron disease 1; C9orf72 Frontotemporal Dementia and/or Amyotrophic Lateral Sclerosis. Identifiers: Orphanet 275872, MedGen C5779877, MONDO:0007105, OMIM 105550.
Paget disease of bone 2, early-onset (PDB2). Also called: Paget disease of bone 2. Identifiers: MedGen C4085251, MONDO:0011183, OMIM 602080.

Allele frequency attached by ClinVar (database versions not stated): gnomAD 0.00001; ExAC 0.00002; ESP Exome Variant Server 0.00008.
gnomAD v4.1: 14 of 1,613,730 alleles (0.00087%); highest among the groups gnomAD compares: Admixed American, 0.005%; no homozygotes.

Submission:

Labcorp Genetics (formerly Invitae), Labcorp
Classification: Uncertain significance for Paget disease of bone 2, early-onset; Frontotemporal dementia and/or amyotrophic lateral sclerosis 1. Last evaluated: 2024-06-09. Review status: criteria provided, single submitter. Criteria: Invitae Variant Classification Sherloc (09022015). Collection method: clinical testing. Allele origin: germline.
Comment: This sequence change replaces glycine, which is neutral and non-polar, with arginine, which is basic and polar, at codon 194 of the SQSTM1 protein (p.Gly194Arg). This variant is present in population databases (rs373585056, gnomAD 0.003%). This missense change has been observed in individual(s) with inclusion body myopathy (PMID: 27594680). ClinVar contains an entry for this variant (Variation ID: 2200083). Advanced modeling of protein sequence and biophysical properties (such as structural, functional, and spatial information, amino acid conservation, physicochemical variation, residue mobility, and thermodynamic stability) performed at Invitae indicates that this missense variant is not expected to disrupt SQSTM1 protein function with a negative predictive value of 80%. In summary, the available evidence is currently insufficient to determine the role of this variant in disease. Therefore, it has been classified as a Variant of Uncertain Significance.

Literature cited by the submitters: PubMed 27594680.